The following is an entry in ClinVar:

NM_182758.4(WDR72):c.*2947A>T

Gene: WDR72 (WD repeat domain 72; minus strand). Cytogenetic location: 15q21.3.
Variant type: single nucleotide variant.
Coding change: c.*2947A>T on transcript NM_182758.4 (MANE Select); 2947 bases downstream of the stop codon, A replaced by T.
Molecular consequence: 3 prime UTR variant. On other transcripts: non-coding transcript variant (3).
Genome position (GRCh38, 1-based): chr15:53,514,752, T>A on the plus strand (A>T on the coding strand, the complement: WDR72 is on the minus strand). VCF-style: chr15-53514752-T-A. GRCh37 (hg19) VCF-style: chr15-53806949-T-A.
Other names: c.*2947A>T (NM_001277176.2).
Identifiers: ClinVar variation 885368 (VCV000885368.4), dbSNP rs74015388, ClinGen allele CA271074523.

ClinVar aggregate classification (germline): Likely benign (1 of 4 stars; one submission).

Conditions:
Amelogenesis imperfecta hypomaturation type 2A3. Also called: Amelogenesis imperfecta, type IIA3. Identifiers: Orphanet 88661, MedGen C2750771, MONDO:0013181, OMIM 613211. Disease mechanism: loss of function.

Allele frequency attached by ClinVar (database versions not stated): gnomAD 0.00534 and 0.00572; TOPMed 0.00553; 1000 Genomes Project 0.00559; 1000 Genomes Project 30x 0.00609.

Submission:

Illumina Laboratory Services, Illumina
Classification: Likely benign for Amelogenesis imperfecta hypomaturation type 2A3. Last evaluated: 2018-01-12. Review status: criteria provided, single submitter. Criteria: ICSL Variant Classification Criteria 13 December 2019. Collection method: clinical testing. Allele origin: germline.
Comment: This variant was observed in the ICSL laboratory as part of a predisposition screen in an ostensibly healthy population. It had not been previously curated by ICSL or reported in the Human Gene Mutation Database (HGMD: prior to June 1st, 2018), and was therefore a candidate for classification through an automated scoring system. Utilizing variant allele frequency, disease prevalence and penetrance estimates, and inheritance mode, an automated score was calculated to assess if this variant is too frequent to cause the disease. Based on the score and internal cut-off values, a variant classified as likely benign is not then subjected to further curation. The score for this variant resulted in a classification of likely benign for this disease.